The following is an entry in ClinVar:

GRCh38/hg38 6q13(chr6:73479920-74931870)x1

Genes: CD109 (CD109 molecule; plus strand), CD109-AS1 (CD109 antisense RNA 1; minus strand), EEF1A1 (eukaryotic translation elongation factor 1 alpha 1; minus strand), EEF1A1-AS1 (EEF1A1 antisense RNA 1; plus strand), MTO1 (mitochondrial tRNA translation optimization 1; plus strand) and 31 more. Cytogenetic location: 6q13.
Variant type: copy number loss.
Change: copy number 1 (one copy instead of two) of chr6:73,479,920-74,931,870 (1.45 Mb, GRCh38 coordinates, 1-based), cytogenetic band 6q13.
Identifiers: ClinVar variation 57394 (VCV000057394.1).

ClinVar aggregate classification (germline): Uncertain significance (1 of 4 stars; one submission).

Submission:

ISCA site 4
Classification: Uncertain significance. Last evaluated: 2011-08-12. Review status: criteria provided, single submitter. Criteria: Kaminsky et al. (Genet Med. 2011). Collection method: clinical testing. Allele origin: unknown. Affected: yes. Observed: 1 variant allele.
Comment: Copy number variation identified through the course of routine clinical cytogenomic testing in postnatal populations. Clinical assertions have been curated as described in Kaminsky et al. 2011.